The following is an entry in ClinVar:

ClinVar aggregate classification (germline): Uncertain significance. Review status: criteria provided, multiple submitters, no conflicts (2 of 4 stars). 5 submissions from 5 submitters: Uncertain significance (4). 1 of the submissions does not count toward it. Last evaluated 2025-04-28.

Conditions:
Hereditary cancer-predisposing syndrome. Also called: Hereditary neoplastic syndrome; Hereditary Cancer Syndrome; Neoplastic Syndromes, Hereditary; Tumor predisposition. Identifiers: Orphanet 140162, MedGen C0027672, MeSH D009386, MONDO:0015356.
Fanconi anemia complementation group O. Also called: RAD51C-Related Fanconi Anemia. Identifiers: Orphanet 84, MedGen C3150653, MONDO:0013248, OMIM 613390.

Submissions (5):

Labcorp Genetics (formerly Invitae), Labcorp
Classification: Uncertain significance for Fanconi anemia complementation group O. Last evaluated: 2025-04-28. Review status: criteria provided, single submitter. Criteria: Invitae Variant Classification Sherloc (09022015). Collection method: clinical testing. Allele origin: germline.
Comment: This variant, c.308_310del, results in the deletion of 1 amino acid(s) of the RAD51C protein (p.Phe103del), but otherwise preserves the integrity of the reading frame. This variant is not present in population databases (gnomAD no frequency). This variant has been observed in individual(s) with a personal and/or family history of breast cancer (PMID: 21990120). ClinVar contains an entry for this variant (Variation ID: 420040). Experimental studies and prediction algorithms are not available or were not evaluated, and the functional significance of this variant is currently unknown. In summary, the available evidence is currently insufficient to determine the role of this variant in disease. Therefore, it has been classified as a Variant of Uncertain Significance.

Ambry Genetics
Classification: Uncertain significance for Hereditary cancer-predisposing syndrome. Last evaluated: 2022-05-05. Review status: criteria provided, single submitter. Criteria: Ambry Variant Classification Scheme 2023. Collection method: clinical testing. Allele origin: germline.
Comment: The c.308_310delTCT variant (also known as p.F103del) is located in coding exon 2 of the RAD51C gene. This variant results from an in-frame TCT deletion at nucleotide positions 308 to 310. This results in the in-frame deletion of a phenylalanine at codon 103. This alteration has been reported in 1 of 1053 hereditary breast cancer families and was not seen in 427 controls (Thompson ER et al. Hum. Mutat., 2012 Jan;33:95-9). The deleted amino acid position is highly conserved in available vertebrate species. In addition, this alteration is predicted to be deleterious by in silico analysis (Choi Y et al. PLoS ONE. 2012; 7(10):e46688). Since supporting evidence is limited at this time, the clinical significance of this alteration remains unclear.

GeneDx
Classification: Uncertain significance. Last evaluated: 2022-04-25. Review status: criteria provided, single submitter. Criteria: GeneDx Variant Classification Process June 2021. Collection method: clinical testing. Allele origin: germline. Affected: yes.
Comment: In-frame deletion of 1 amino acid in a non-repeat region; Not observed at significant frequency in large population cohorts (gnomAD); In silico analysis supports a deleterious effect on protein structure/function; Located in the critical ATPase domain (Miller 2004); Observed in an individual with a personal and/or family history of breast cancer (Thompson 2012); This variant is associated with the following publications: (PMID: 14704354, 21990120)

Color Diagnostics, LLC DBA Color Health
Classification: Uncertain significance for Hereditary cancer-predisposing syndrome. Last evaluated: 2019-09-18. Review status: criteria provided, single submitter. Criteria: ACMG Guidelines, 2015. Collection method: clinical testing. Allele origin: germline.
Comment: This variant causes an in-frame deletion of 1 amino acid of the RAD51C protein. Splice site prediction tools suggest that this variant may not impact RNA splicing. To our knowledge, functional studies have not been performed for this variant. This variant has been reported in one breast cancer family (PMID: 21990120). This variant has not been identified in the general population by the Genome Aggregation Database (gnomAD). The available evidence is insufficient to determine the role of this variant in disease conclusively. Therefore, this variant is classified as a Variant of Uncertain Significance.

Leiden Open Variation Database
Classification: Uncertain significance. Last evaluated: 2011-08-25. Review status: no assertion criteria provided. Collection method: curation. Allele origin: germline. Affected: yes. Not counted in ClinVar's aggregate classification.
Comment: Curator: Arleen D. Auerbach. Submitter to LOVD: Ian Campbell.

Literature cited by the submitters: PubMed 21990120 (cited by 3 submitters).

NM_058216.3(RAD51C):c.308_310del (p.Phe103del)

Gene: RAD51C (RAD51 paralog C; plus strand). Cytogenetic location: 17q22.
Variant type: Deletion.
Coding change: c.308_310del on transcript NM_058216.3 (MANE Select); coding-DNA positions 308 to 310, 3 bases deleted (TCT; older notation c.308_310delTCT).
Protein change: p.Phe103del; deletes phenylalanine 103.
Molecular consequence: inframe deletion. On other transcripts: non-coding transcript variant (2).
Genome position (GRCh38, 1-based): chr17:58,695,093-58,695,095, TCT deleted; deleting any 3 consecutive bases within chr17:58,695,091-58,695,095 gives the same sequence; the c. name uses the placement nearest the transcript's 3' end. VCF-style (leftmost placement, unchanged base first): chr17-58695090-CCTT-C. GRCh37 (hg19) VCF-style: chr17-56772451-CCTT-C.
Other names: c.308_310del (NM_058216.1, NM_058216.2); c.308_310del, p.Phe103del (NM_002876.4); short protein forms F103del.
Identifiers: ClinVar variation 420040 (VCV000420040.21), dbSNP rs1064794253, ClinGen allele CA16620492.
Genomic context (GRCh38, chr17:58,695,090, plus strand): 5'-ACAAGAAGTGTACAGCACTGGAACTTCTTGAGCAGGAGCATACCCAGGGCTTCATAATCA[CCTT>C]CTGTTCAGCACTAGATGATATTCTTGGGGGTGGAGTGCCCTTAATGAAAACAACAGAAAT-3'